The following is an entry in ClinVar:

NM_002336.3(LRP6):c.2968C>T (p.Arg990Ter)

Gene: LRP6 (LDL receptor related protein 6; minus strand). Cytogenetic location: 12p13.2.
Variant type: single nucleotide variant.
Coding change: c.2968C>T on transcript NM_002336.3 (MANE Select); coding-DNA position 2968, C replaced by T.
Protein change: p.Arg990Ter; replaces arginine 990 with a stop codon.
Molecular consequence: nonsense. On other transcripts: non-coding transcript variant (1).
Genome position (GRCh38, 1-based): chr12:12,150,862, G>A on the plus strand (C>T on the coding strand, the complement: LRP6 is on the minus strand). VCF-style: chr12-12150862-G-A. GRCh37 (hg19) VCF-style: chr12-12303796-G-A.
Other names: c.2968C>T, p.Arg990Ter (NM_001414244.1, NM_001414245.1, NM_001414246.1 and 4 more transcripts); c.2770C>T, p.Arg924Ter (NM_001414247.1); c.2515C>T, p.Arg839Ter (NM_001414252.1, NM_001414253.1, NM_001414254.1); c.2461C>T, p.Arg821Ter (NM_001414255.1); c.2968C>T (NM_002336.2); short protein forms R821*, R990*, R839*, R924*.
Identifiers: ClinVar variation 3690229 (VCV003690229.3).

ClinVar aggregate classification (germline): Pathogenic. Review status: criteria provided, multiple submitters, no conflicts (2 of 4 stars). 2 submissions from 2 submitters: Pathogenic (2). Last evaluated 2025-07-17.

Conditions:
Inborn genetic diseases. Identifiers: MedGen C0950123, MeSH D030342.

gnomAD v4.1: 1 of 1,613,930 alleles (0.000062%); highest among the groups gnomAD compares: South Asian, 0.0011%; no homozygotes.

Submissions (2):

Ambry Genetics
Classification: Pathogenic for Inborn genetic diseases. Last evaluated: 2025-07-17. Review status: criteria provided, single submitter. Criteria: Ambry Variant Classification Scheme 2023. Collection method: clinical testing. Allele origin: germline.
Comment: The c.2968C>T (p.R990*) alteration, located in exon 13 (coding exon 13) of the LRP6 gene, consists of a C to T substitution at nucleotide position 2968. This changes the amino acid from a arginine (R) to a stop codon at amino acid position 990. This alteration is expected to result in loss of function by premature protein truncation or nonsense-mediated mRNA decay. This variant was not reported in population-based cohorts in the Genome Aggregation Database (gnomAD). Based on the available evidence, this alteration is classified as pathogenic.

Labcorp Genetics (formerly Invitae), Labcorp
Classification: Pathogenic. Last evaluated: 2024-11-16. Review status: criteria provided, single submitter. Criteria: Invitae Variant Classification Sherloc (09022015). Collection method: clinical testing. Allele origin: germline.
Comment: This sequence change creates a premature translational stop signal (p.Arg990*) in the LRP6 gene. It is expected to result in an absent or disrupted protein product. Loss-of-function variants in LRP6 are known to be pathogenic (PMID: 26387593). This variant is not present in population databases (gnomAD no frequency). This variant has not been reported in the literature in individuals affected with LRP6-related conditions. For these reasons, this variant has been classified as Pathogenic.

Literature cited by the submitters: PubMed 26387593 (cited by Labcorp Genetics (formerly Invitae), Labcorp).